The following is an entry in ClinVar:

ClinVar aggregate classification (germline): Pathogenic/Likely pathogenic. Review status: criteria provided, multiple submitters, no conflicts (2 of 4 stars). 8 submissions from 8 submitters: Pathogenic (3); Likely pathogenic (5). Last evaluated 2025-08-31.

Conditions:
CEP290-related ciliopathy. Also called: CEP290 ciliopathy. Identifiers: MedGen CN305601, MONDO:0100451.
CEP290-related disorder. Also called: CEP290-related condition; CEP290-related disorders. Identifiers: MedGen CN239314.
Leber congenital amaurosis (LCA). Also called: Leber's amaurosis. Identifiers: Orphanet 65, MedGen C0339527, MeSH D057130, MONDO:0018998.
Meckel syndrome, type 4 (MKS4). Also called: MECKEL-GRUBER SYNDROME, TYPE 4. Identifiers: Orphanet 564, MedGen C1970161, MONDO:0012626, OMIM 611134.
Autosomal recessive CEP290-related disorders.
Meckel-Gruber syndrome. Also called: Dysencephalia splachnocystica; DYSENCEPHALIA SPLANCHNOCYSTICA; GRUBER SYNDROME. Identifiers: Orphanet 564, MedGen C0265215, MONDO:0018921.
Nephronophthisis. Also called: Juvenile Nephronophthisis. Identifiers: Orphanet 655, MedGen C0687120, MONDO:0019005, HP:0000090.
Joubert syndrome. Also called: JOUBERT-BOLTSHAUSER SYNDROME; Familial aplasia of the vermis. Identifiers: Orphanet 475, MedGen C5979921, MONDO:0018772.
Bardet-Biedl syndrome 14 (BBS14). Identifiers: Orphanet 110, MedGen C2673874, MONDO:0014442, OMIM 615991.

Allele frequency attached by ClinVar (database versions not stated): gnomAD exomes below 0.00001; ExAC 0.00001.

Submissions (8):

Variantyx, Inc.
Classification: Likely pathogenic for Autosomal recessive CEP290-related disorders. Last evaluated: 2025-08-31. Review status: criteria provided, single submitter. Criteria: Variantyx Assertion Criteria 2022. Collection method: clinical testing. Allele origin: germline. Inheritance: Autosomal recessive inheritance. Affected: no.
Comment: This is a frameshift variant in the CEP290 gene (OMIM: 610142). Pathogenic variants in this gene have been associated with autosomal recessive CEP290-related disorders. This variant introduces a premature termination codon in exon 28 out of 54 and is expected to result in loss of function, which is a known disease mechanism for CEP290 in hese disorders (PMID: 27336129, 20690115) (PVS1). This variant has a 0.0005% maximum allele frequency in non-founder control populations (PM2). Based on the current evidence, this variant is classified as likely pathogenic for autosomal recessive CEP290-related disorders.

Myriad Genetics, Inc.
Classification: Pathogenic for CEP290-related ciliopathy. Last evaluated: 2025-08-11. Review status: criteria provided, single submitter. Criteria: Myriad Autosomal Dominant, Autosomal Recessive and X-Linked Classification Criteria (2023). Collection method: clinical testing. Allele origin: unknown.
Comment: NM_025114.3(CEP290):c.3212dupA(R1072Afs*3) is expected to be pathogenic in the context of CEP290-related disorders. This variant is predicted to lead to an abnormal or absent protein product due to the creation of a premature termination codon in CEP290, a gene where loss-of-function variants are known to be pathogenic. Please note: this variant was assessed in the context of healthy population screening.

Natera, Inc.
Classification: Likely pathogenic for Leber congenital amaurosis. Last evaluated: 2024-05-03. Review status: criteria provided, single submitter. Criteria: Natera Variant Classification Schema (03/2026). Collection method: clinical testing. Allele origin: germline.
Comment: The c.3212dupA variant in CEP290 is a frameshift variant predicted to shift the reading frame beginning at codon 1072 and leads to a stop codon 3 codons downstream. This variant is expected to result in nonsense mediated decay, truncation, or a dysfunctional protein product. This variant is rare in the general population with a frequency below the threshold expected for the associated phenotype(s). Given the available evidence, this variant is classified as Likely Pathogenic.

Labcorp Genetics (formerly Invitae), Labcorp
Classification: Pathogenic for Joubert syndrome; Meckel-Gruber syndrome; Nephronophthisis. Last evaluated: 2024-02-09. Review status: criteria provided, single submitter. Criteria: Invitae Variant Classification Sherloc (09022015). Collection method: clinical testing. Allele origin: germline.
Comment: This sequence change creates a premature translational stop signal (p.Arg1072Alafs*3) in the CEP290 gene. It is expected to result in an absent or disrupted protein product. Loss-of-function variants in CEP290 are known to be pathogenic (PMID: 16909394, 17345604, 20690115). This variant is not present in population databases (gnomAD no frequency). This variant has not been reported in the literature in individuals affected with CEP290-related conditions. ClinVar contains an entry for this variant (Variation ID: 958988). Algorithms developed to predict the effect of sequence changes on RNA splicing suggest that this variant may disrupt the consensus splice site. For these reasons, this variant has been classified as Pathogenic.

Baylor Genetics
Classification: Likely pathogenic for Bardet-Biedl syndrome 14. Last evaluated: 2024-01-19. Review status: criteria provided, single submitter. Criteria: ACMG Guidelines, 2015. Collection method: clinical testing. Allele origin: unknown.

Women's Health and Genetics/Laboratory Corporation of America, LabCorp
Classification: Likely pathogenic for CEP290-related disorder. Last evaluated: 2022-06-09. Review status: criteria provided, single submitter. Criteria: LabCorp Variant Classification Summary - May 2015. Collection method: clinical testing. Allele origin: germline.
Comment: Variant summary: CEP290 c.3212dupA (p.Arg1072AlafsX3) results in a premature termination codon, predicted to cause a truncation of the encoded protein or absence of the protein due to nonsense mediated decay, which are commonly known mechanisms for disease. Truncations downstream of this position have been classified as pathogenic by our laboratory. The variant was absent in 247308 control chromosomes (gnomAD). To our knowledge, no occurrence of c.3212dupA in individuals affected with CEP290-Related Disorders and no experimental evidence demonstrating its impact on protein function have been reported. Three ClinVar submitters (evaluation after 2014) cite the variant as pathogenic (n=2) and likely pathogenic (n=1). Based on the evidence outlined above, the variant was classified as likely pathogenic.

Greenwood Genetic Center Diagnostic Laboratories, Greenwood Genetic Center
Classification: Likely pathogenic. Last evaluated: 2021-02-24. Review status: criteria provided, single submitter. Criteria: ACMG Guidelines, 2015. Collection method: clinical testing. Allele origin: germline. Affected: yes.
Comment: PVS1, PM2

MVZ Martinsried, Medicover Genetics
Classification: Pathogenic for Meckel syndrome, type 4. Last evaluated: 2019-10-09. Review status: criteria provided, single submitter. Criteria: ACMG Guidelines, 2015. Collection method: clinical testing. Allele origin: unknown. Affected: yes.

Literature cited by the submitters: PubMed 27336129 (cited by Variantyx, Inc.); PubMed 20690115 (cited by Variantyx, Inc. and Labcorp Genetics (formerly Invitae), Labcorp); PubMed 16909394 (cited by Labcorp Genetics (formerly Invitae), Labcorp); PubMed 17345604 (cited by Labcorp Genetics (formerly Invitae), Labcorp).

NM_025114.4(CEP290):c.3212dup (p.Arg1072fs)

Gene: CEP290 (centrosomal protein 290; minus strand). Cytogenetic location: 12q21.32.
Variant type: Duplication.
Coding change: c.3212dup on transcript NM_025114.4 (MANE Select); coding-DNA position 3212, one base duplicated (A; older notation c.3212dupA).
Protein change: p.Arg1072fs; shifts the reading frame from arginine 1072.
Molecular consequence: frameshift variant.
Genome position (GRCh38, 1-based): chr12:88,093,867, T duplicated on the plus strand (A on the coding strand, the reverse complement: CEP290 is on the minus strand). VCF-style (leftmost placement, unchanged base first): chr12-88093866-C-CT. GRCh37 (hg19) VCF-style: chr12-88487643-C-CT.
Other names: c.3212dupA (NM_025114.3); short protein forms R1072fs.
Identifiers: ClinVar variation 958988 (VCV000958988.16), dbSNP rs778407127, ClinGen allele CA6712196.